The following is an entry in ClinVar:

NM_001148.6(ANK2):c.11488G>T (p.Glu3830Ter)

Gene: ANK2 (ankyrin 2; plus strand). Cytogenetic location: 4q26.
Variant type: single nucleotide variant.
Coding change: c.11488G>T on transcript NM_001148.6 (MANE Select); coding-DNA position 11488, G replaced by T.
Protein change: p.Glu3830Ter; replaces glutamic acid 3830 with a stop codon.
Molecular consequence: nonsense.
Genome position (GRCh38, 1-based): chr4:113,369,683, G>T. VCF-style: chr4-113369683-G-T. GRCh37 (hg19) VCF-style: chr4-114290839-G-T.
Other names: c.5206G>T, p.Glu1736Ter (NM_001127493.3); c.5245G>T, p.Glu1749Ter (NM_001354225.2); c.5134G>T, p.Glu1712Ter (NM_001354228.2, NM_001354258.2); c.5212G>T, p.Glu1738Ter (NM_001354230.2); c.5275G>T, p.Glu1759Ter (NM_001354231.2, NM_001354242.2); c.5269G>T, p.Glu1757Ter (NM_001354232.2); c.5230G>T, p.Glu1744Ter (NM_001354235.2, NM_001354246.2, NM_001354265.2); c.5131G>T, p.Glu1711Ter (NM_001354236.2); and 35 more; short protein forms E1584*, E1617*, E1645*, E1650*, E1658*, E1667*, E1670*, E1672*.
Identifiers: ClinVar variation 4855643 (VCV004855643.1).
Genomic context (GRCh38, chr4:113,369,683, plus strand): 5'-CTGTACCTCCAGACCCCAACATCCAGCGAGCGGGGAGGCTCTCCCATCATACAAGAACCC[G>T]AAGAGCCCTCAGAGCACAGAGAGGAGAGCTCTCCGCGGAAAACCAGCCTCGTAATAGTGG-3'

ClinVar aggregate classification (germline): Uncertain significance (1 of 4 stars; one submission).

Conditions:
ANK2-related disorder. Also called: ANK2-related condition.

Submission:

3billion
Classification: Uncertain significance for ANK2-related disorder. Last evaluated: 2025-12-03. Review status: criteria provided, single submitter. Criteria: ACMG Guidelines, 2015. Collection method: clinical testing. Allele origin: germline. Affected: yes.
Comment: The variant is not observed in the gnomAD v4.1.0 dataset. Predicted Consequence/Location: Stop-gained (nonsense): predicted to result in a loss or disruption of normal protein function through nonsense-mediated decay (NMD) or protein truncation. Multiple pathogenic variants are reported downstream of the variant. Therefore, this variant is classified as VUS according to the recommendation of ACMG/AMP guideline.